The following is an entry in ClinVar:

ClinVar aggregate classification (germline): Conflicting classifications of pathogenicity. Review status: criteria provided, conflicting classifications (1 of 4 stars). 15 submissions from 15 submitters: Uncertain significance (11); Likely benign (2). 2 of the submissions do not count toward it. Last evaluated 2026-08-10.

Conditions:
TTN-related disorder. Also called: TTN-related condition; TTN-related disease; TTN-related disorders.
Cardiovascular phenotype. Identifiers: MedGen CN230736.
Dilated cardiomyopathy 1G (CMD1G). Identifiers: Orphanet 154, MedGen C1858763, MONDO:0011400, OMIM 604145.
Autosomal recessive limb-girdle muscular dystrophy type 2J (LGMDR10). Also called: Limb-girdle muscular dystrophy, type 2J; MUSCULAR DYSTROPHY, LIMB-GIRDLE, AUTOSOMAL RECESSIVE 10. Identifiers: Orphanet 140922, MedGen C1837342, MONDO:0012127, OMIM 608807.
Cardiomyopathy (CMYO). Also called: Cardiomyopathies. Identifiers: Orphanet 167848, MedGen C0878544, MONDO:0004994, HP:0001638. Inheritance: Various modes of inheritance.
Arrhythmogenic right ventricular dysplasia 1. Identifiers: Orphanet 3403, MedGen C1862511, MONDO:0007152, OMIM 107970.

Submissions (15):

PreventionGenetics, part of Exact Sciences
Classification: Uncertain significance for TTN-related condition. Last evaluated: 2026-08-10. Review status: criteria provided, single submitter. Criteria: ACMG Guidelines, 2015. Collection method: clinical testing. Allele origin: germline.
Comment: The TTN c.45089_45091delAAG variant is predicted to result in an in-frame deletion (p.Glu15030del). This variant has been reported in an individual with dilated cardiomyopathy (described as p.Glu13389del in Table S3, Khan et al. 2021. PubMed ID: 34935411). This variant is reported in 0.032% of alleles in individuals of East Asian descent in gnomAD. Although we suspect that this variant may be benign, at this time, the clinical significance of this variant is uncertain due to the absence of conclusive functional and genetic evidence.

Women's Health and Genetics/Laboratory Corporation of America, LabCorp
Classification: Uncertain significance. Last evaluated: 2026-06-22. Review status: criteria provided, single submitter. Criteria: LabCorp Variant Classification Summary - May 2015. Collection method: clinical testing. Allele origin: germline.
Comment: Variant summary: TTN c.37385_37387delAAG (p.Glu12462del) results in an in-frame deletion that is predicted to remove one amino acid from the encoded protein. The variant allele was found at a frequency of 0.00015 in 243276 control chromosomes, predominantly at a frequency of 0.00034 and 0.00027 within the East Asian and European subpopulations, respectively (gnomAD database). These frequencies are somewhat lower than the maximum expected for a pathogenic variant in TTN causing Dilated Cardiomyopathy (DCM) phenotype (0.00039). However, in certain European subpopulations the variant occurs with an even higher frequency, e.g. in the Swedish (allele frequency: 0.00052), suggesting that the variant might be a benign polymorphism. c.37385_37387delAAG has been observed as a VUS in the setting of multigene panel testing in at-least one individual within a cohort with Pediatric Dilated Cardiomyopathy (example, Khan_2022). This report does not provide unequivocal conclusions about association of the variant with disease. To our knowledge, no experimental evidence demonstrating an impact on protein function has been reported. The following publication has been ascertained in the context of this evaluation (PMID: 34935411). ClinVar contains an entry for this variant (Variation ID: 202444). Based on the evidence outlined above, the variant was classified as VUS-possibly benign.

Mayo Clinic Laboratories, Mayo Clinic
Classification: Uncertain significance. Last evaluated: 2025-12-12. Review status: criteria provided, single submitter. Criteria: ACMG Guidelines, 2015. Collection method: clinical testing. Allele origin: germline. Observed: 1 variant allele.
Comment: BP3

Revvity Omics, Revvity
Classification: Uncertain significance. Last evaluated: 2025-02-24. Review status: criteria provided, single submitter. Criteria: ACMG Guidelines, 2015. Collection method: clinical testing. Allele origin: germline.

Blueprint Genetics
Classification: Likely benign. Last evaluated: 2024-05-03. Review status: criteria provided, single submitter. Criteria: ACMG Guidelines, 2015. Collection method: clinical testing. Allele origin: germline.

CHEO Genetics Diagnostic Laboratory, Children's Hospital of Eastern Ontario
Classification: Uncertain significance for Cardiomyopathy. Last evaluated: 2020-10-29. Review status: criteria provided, single submitter. Criteria: ACMG Guidelines, 2015. Collection method: clinical testing. Allele origin: germline.

Ambry Genetics
Classification: Likely benign for Cardiovascular phenotype. Last evaluated: 2020-09-16. Review status: criteria provided, single submitter. Criteria: Ambry Variant Classification Scheme 2023. Collection method: clinical testing. Allele origin: germline.

Athena Diagnostics
Classification: Uncertain significance. Last evaluated: 2019-06-03. Review status: criteria provided, single submitter. Criteria: Athena Diagnostics Criteria. Collection method: clinical testing. Allele origin: germline.

Labcorp Genetics (formerly Invitae), Labcorp
Classification: Uncertain significance for Dilated cardiomyopathy 1G; Autosomal recessive limb-girdle muscular dystrophy type 2J. Last evaluated: 2017-12-14. Review status: criteria provided, single submitter. Criteria: Invitae Variant Classification Sherloc (09022015). Collection method: clinical testing. Allele origin: germline.

Eurofins Ntd Llc (ga)
Classification: Uncertain significance. Last evaluated: 2017-09-27. Review status: criteria provided, single submitter. Criteria: EGL Classification Definitions 2015. Collection method: clinical testing. Allele origin: germline. Observed: 2 variant alleles, 2 heterozygotes.

Agnes Ginges Centre for Molecular Cardiology, Centenary Institute
Classification: Uncertain significance for Arrhythmogenic right ventricular dysplasia 1. Last evaluated: 2017-03-27. Review status: criteria provided, single submitter. Criteria: Agnes Ginges Centre for Molecular Cardiology criteria (2015). Collection method: research. Allele origin: germline. Inheritance: Autosomal dominant inheritance. Affected: yes.
Comment: The TTN Glu13389del results in an in-frame deletion of a glutamine (Glu) at position 13389. The variant is present in the Exome Aggregation Consortium dataset, at an allele frequency of 0.0002163, which is higher then expected for an inherited heart condition. The clinical consequence of TTN in-frame deletions are currently unknown. Therefore, we classify TTN Glu13389del as a variant of "uncertain significance" though this may be downgraded in future.

GeneDx
Classification: Uncertain significance. Last evaluated: 2014-05-15. Review status: criteria provided, single submitter. Criteria: GeneDx Variant Classification (06012015). Collection method: clinical testing. Allele origin: germline. Affected: yes.
Comment: c.40166_40168delAAG: p.Glu13389del (E13389del) in exon 195 of the TTN gene (NM_001256850.1). The c.40166_40168delAAG variant has not been published as a mutation or as a benign polymorphism to our knowledge. c.40166_40168delAAG results in deletion of Glutamic acid at position 13389 and does not cause a shift in reading frame. Only one in-frame deletion/duplication mutation in the TTN gene has been reported in association with tibial muscular dystrophy. Furthermore, c.40166_40168delAAG is not located in the A-band region of TTN, where the majority of truncating mutations associated with DCM have been reported (Herman D et al., 2012). Therefore, based on the currently available information, it is unclear whether this variant is a pathogenic mutation or a rare benign variant. The variant is found in CARDIOMYOPATHY panel(s).

Biesecker Lab/Clinical Genomics Section, National Institutes of Health
Classification: Uncertain significance. Last evaluated: 2013-06-24. Review status: criteria provided, single submitter. Criteria: Ng et al. (Circ Cardiovasc Genet. 2013). Collection method: research. Allele origin: unknown. Observed: 1 variant allele. Study: ClinSeq.
Comment: The study set was not selected for affection status in relation to any cancer. Pathogenicity categories were based on literature curation. See Pubmed ID:23861362 for details.

Medical sequencing

Clinical Genetics, Academic Medical Center
Classification: Uncertain significance. Review status: no assertion criteria provided. Collection method: clinical testing. Allele origin: germline. Affected: yes. Study: VKGL Data-share Consensus. Not counted in ClinVar's aggregate classification.

Joint Genome Diagnostic Labs from Nijmegen and Maastricht, Radboudumc and MUMC+
Classification: Uncertain significance. Review status: no assertion criteria provided. Collection method: clinical testing. Allele origin: germline. Affected: yes. Study: VKGL Data-share Consensus. Not counted in ClinVar's aggregate classification.

Literature cited by the submitters: PubMed 34935411 (cited by Women's Health and Genetics/Laboratory Corporation of America, LabCorp); PubMed 33077954 (cited by Mayo Clinic Laboratories, Mayo Clinic).

NM_001267550.2(TTN):c.45089_45091delAAG

Genes: TTN (titin; minus strand), LOC126806427 (BRD4-independent group 4 enhancer GRCh37_chr2:179485777-179486976; plus strand). Cytogenetic location: 2q31.2.
Variant type: Microsatellite.
Coding change: c.45089_45091delAAG on transcript NM_001267550.2 (MANE Select); coding-DNA positions 45089 to 45091, 3 bases deleted (AAG).
Molecular consequence: splice acceptor variant.
Genome position (GRCh38, 1-based): chr2:178,621,733-178,621,735, CTT deleted on the plus strand (AAG on the coding strand, the reverse complement: TTN is on the minus strand); deleting any 3 consecutive bases within chr2:178,621,733-178,621,743 gives the same sequence; the c. name uses the placement nearest the transcript's 3' end. VCF-style (leftmost placement, unchanged base first): chr2-178621732-GCTT-G. GRCh37 (hg19) VCF-style: chr2-179486459-GCTT-G.
Other names: p.Glu12462del; c.40166_40168delAAG (NM_001256850.1); c.37385_37387del (NM_133378.4); c.37385_37387delAAG (NM_133378.4); c.17894_17896delAAG (NM_003319.4).
Identifiers: ClinVar variation 202444 (VCV000202444.24), dbSNP rs759525338, ClinGen allele CA237972.